The following is an entry in ClinVar:

NM_025215.6(PUS1):c.139_142delinsGG (p.Arg47fs)

Genes: PUS1 (pseudouridine synthase 1; plus strand), LOC130009240 (ATAC-STARR-seq lymphoblastoid silent region 5107; plus strand). Cytogenetic location: 12q24.33.
Variant type: Indel.
Coding change: c.139_142delinsGG on transcript NM_025215.6 (MANE Select); coding-DNA positions 139 to 142, AGGT replaced by GG.
Protein change: p.Arg47fs; shifts the reading frame from arginine 47.
Molecular consequence: frameshift variant.
Genome position (GRCh38, 1-based): chr12:131,929,971-131,929,974, AGGT replaced by GG. VCF-style: chr12-131929971-AGGT-GG. GRCh37 (hg19) VCF-style: chr12-132414516-AGGT-GG.
Other names: c.55_58delinsGG, p.Arg19fs (NM_001002020.3, NM_001002019.3); short protein forms R19fs, R47fs.
Identifiers: ClinVar variation 4816251 (VCV004816251.1).

ClinVar aggregate classification (germline): Likely pathogenic (1 of 4 stars; one submission).

Conditions:
Myopathy, lactic acidosis, and sideroblastic anemia. Also called: Mitochondrial myopathy and sideroblastic anemia; Myopathy with lactic acidosis and sideroblastic anemia. Identifiers: Orphanet 2598, MedGen C1838103, MONDO:0000863.

Submission:

Natera, Inc.
Classification: Likely pathogenic for Mitochondrial myopathy and sideroblastic anemia. Last evaluated: 2025-08-20. Review status: criteria provided, single submitter. Criteria: Natera Variant Classification Schema (03/2026). Collection method: clinical testing. Allele origin: germline.
Comment: The c.139_142delinsGG variant in PUS1 is a frameshift variant predicted to shift the reading frame beginning at codon 47 and leads to a stop codon 66 codons downstream. This variant is expected to result in nonsense mediated decay, truncation, or a dysfunctional protein product. This variant is rare in the general population with a frequency below the threshold expected for the associated phenotype(s). Given the available evidence, this variant is classified as Likely Pathogenic.